The following is an entry in ClinVar:

NM_000051.4(ATM):c.1295T>C (p.Leu432Pro)

Gene: ATM (ATM serine/threonine kinase; plus strand). Cytogenetic location: 11q22.3.
Variant type: single nucleotide variant.
Coding change: c.1295T>C on transcript NM_000051.4 (MANE Select); coding-DNA position 1295, T replaced by C.
Protein change: p.Leu432Pro; replaces leucine 432 with proline.
Molecular consequence: missense variant.
Genome position (GRCh38, 1-based): chr11:108,250,760, T>C. VCF-style: chr11-108250760-T-C. GRCh37 (hg19) VCF-style: chr11-108121487-T-C.
Other names: c.1295T>C, p.Leu432Pro (NM_001351834.2); short protein forms L432P.
Identifiers: ClinVar variation 3326311 (VCV003326311.1).
Genomic context (GRCh38, chr11:108,250,760, plus strand): 5'-GGCTACAGATTGCAACCCAATTAATATCAAAGTATCCTGCAAGTTTACCTAACTGTGAGC[T>C]GTCTCCATTACTGATGATACTATCTCAGCTTCTACCCCAACAGCGACATGGGGAACGTAC-3'
Protein context (NP_000042.3, residues 422-442): KYPASLPNCE[Leu432Pro]SPLLMILSQL

ClinVar aggregate classification (germline): Uncertain significance (1 of 4 stars; one submission).

Conditions:
Hereditary cancer-predisposing syndrome. Also called: Neoplastic Syndromes, Hereditary; Tumor predisposition; Hereditary neoplastic syndrome; Hereditary Cancer Syndrome. Identifiers: Orphanet 140162, MedGen C0027672, MeSH D009386, MONDO:0015356.

Submission:

Ambry Genetics
Classification: Uncertain significance for Hereditary cancer-predisposing syndrome. Last evaluated: 2024-05-19. Review status: criteria provided, single submitter. Criteria: Ambry Variant Classification Scheme 2023. Collection method: clinical testing. Allele origin: germline.
Comment: The p.L432P variant (also known as c.1295T>C), located in coding exon 9 of the ATM gene, results from a T to C substitution at nucleotide position 1295. The leucine at codon 432 is replaced by proline, an amino acid with similar properties. This amino acid position is conserved. In addition, the in silico prediction for this alteration is inconclusive. Based on the available evidence, the clinical significance of this variant remains unclear.